The following is an entry in ClinVar:

ClinVar aggregate classification (germline): Pathogenic (1 of 4 stars; one submission).

Conditions:
EPILEPSY, CHILDHOOD ABSENCE, SUSCEPTIBILITY TO, 2 (ECA2). Identifiers: Orphanet 64280, MedGen C1843244, OMIM 607681.
Febrile seizures, familial, 8 (FEB8). Also called: CONVULSIONS, FAMILIAL FEBRILE, 8. Identifiers: Orphanet 36387, MedGen C1969810, MONDO:0011891, OMIM 607681.

Submission:

Labcorp Genetics (formerly Invitae), Labcorp
Classification: Pathogenic for Febrile seizures, familial, 8; EPILEPSY, CHILDHOOD ABSENCE, SUSCEPTIBILITY TO, 2. Last evaluated: 2023-12-01. Review status: criteria provided, single submitter. Criteria: Invitae Variant Classification Sherloc (09022015). Collection method: clinical testing. Allele origin: germline.
Comment: This sequence change creates a premature translational stop signal (p.Ser386*) in the GABRG2 gene. While this is not anticipated to result in nonsense mediated decay, it is expected to disrupt the last 82 amino acid(s) of the GABRG2 protein. This variant is not present in population databases (gnomAD no frequency). This variant has not been reported in the literature in individuals affected with GABRG2-related conditions. This variant disrupts a region of the GABRG2 protein in which other variant(s) (p.Arg437Leu) have been determined to be pathogenic (Invitae). This suggests that this is a clinically significant region of the protein, and that variants that disrupt it are likely to be disease-causing. For these reasons, this variant has been classified as Pathogenic.

NM_198904.4(GABRG2):c.1181C>A (p.Ser394Ter)

Gene: GABRG2 (gamma-aminobutyric acid type A receptor subunit gamma2; plus strand). Cytogenetic location: 5q34.
Variant type: single nucleotide variant.
Coding change: c.1181C>A on transcript NM_198904.4 (MANE Select); coding-DNA position 1181, C replaced by A.
Protein change: p.Ser394Ter; replaces serine 394 with a stop codon.
Molecular consequence: nonsense. On other transcripts: 3 prime UTR variant (1).
Genome position (GRCh38, 1-based): chr5:162,153,121, C>A. VCF-style: chr5-162153121-C-A. GRCh37 (hg19) VCF-style: chr5-161580127-C-A.
Other names: c.1157C>A, p.Ser386Ter (NM_000816.3); c.1172C>A, p.Ser391Ter (NM_001375339.1); c.*15C>A (NM_001375340.1); c.1178C>A, p.Ser393Ter (NM_001375341.1); c.1154C>A, p.Ser385Ter (NM_001375342.1); c.1277C>A, p.Ser426Ter (NM_001375343.1); c.1220C>A, p.Ser407Ter (NM_001375344.1); c.1091C>A, p.Ser364Ter (NM_001375345.1); and 6 more; short protein forms S291*, S386*, S391*, S407*, S426*, S434*, S246*, S372*.
Identifiers: ClinVar variation 2954334 (VCV002954334.3), dbSNP rs2532774645, ClinGen allele CA362183234.
Genomic context (GRCh38, chr5:162,153,121, plus strand): 5'-CTGATCCCTCTCCTTCCCTACCCTCGTCCCAGGCCCCTACCATTGATATCCGCCCAAGAT[C>A]AGCAACCATTCAAATGAATAATGCTACACACCTTCAAGAGAGAGATGAAGAGTACGGCTA-3'